The following is an entry in ClinVar:

ClinVar aggregate classification (germline): Uncertain significance. Review status: criteria provided, multiple submitters, no conflicts (2 of 4 stars). 3 submissions from 3 submitters: Uncertain significance (3). Last evaluated 2025-01-09.

Conditions:
Inborn genetic diseases. Identifiers: MedGen C0950123, MeSH D030342.
Malignant hyperthermia, susceptibility to, 1 (MHS1). Also called: Malignant hyperthermia suceptibility 1; Anesthesia related hyperthermia; Malignant hyperpyrexia; Fulminating hyperpyrexia; Pharmacogenic myopathy; RYR1-Related Malignant Hyperthermia Susceptibility. Identifiers: Orphanet 423, MedGen C2930980, MONDO:0007783, OMIM 145600.

Allele frequency attached by ClinVar (database versions not stated): gnomAD exomes 0.00001; gnomAD 0.00002; TOPMed 0.00002.
gnomAD v4.1: 13 of 1,613,752 alleles (0.00081%); highest among the groups gnomAD compares: Non-Finnish European, 0.0011%; no homozygotes.

Submissions (3):

Ambry Genetics
Classification: Uncertain significance for Inborn genetic diseases. Last evaluated: 2025-01-09. Review status: criteria provided, single submitter. Criteria: Ambry Variant Classification Scheme 2023. Collection method: clinical testing. Allele origin: germline.

All of Us Research Program, National Institutes of Health
Classification: Uncertain significance for Malignant hyperthermia, susceptibility to, 1. Last evaluated: 2023-12-18. Review status: criteria provided, single submitter. Criteria: ACMG Guidelines, 2015. Collection method: clinical testing. Allele origin: germline. Inheritance: Autosomal dominant inheritance. Observed: 1 variant allele, 1 heterozygote.
Comment: This missense variant replaces lysine with arginine at codon 2079 of the RYR1 protein. Computational prediction suggests that this variant may not impact protein structure and function (internally defined REVEL score threshold <= 0.5, PMID: 27666373). To our knowledge, functional studies have not been reported for this variant. This variant has not been reported in individuals affected with RYR1-related disorders in the literature. This variant has been identified in 3/281936 chromosomes in the general population by the Genome Aggregation Database (gnomAD). The available evidence is insufficient to determine the role of this variant in disease conclusively. Therefore, this variant is classified as a Variant of Uncertain Significance.

This study involves interpretation of variants in research participants for the purpose of population health screening. Participant phenotype was not available at the time of variant classification. Additional details can be found in publication PMID: 35346344, PMCID: PMC8962531

Blueprint Genetics
Classification: Uncertain significance. Last evaluated: 2019-03-25. Review status: criteria provided, single submitter. Criteria: ACMG Guidelines, 2015. Collection method: clinical testing. Allele origin: germline.

NM_000540.3(RYR1):c.6236A>G (p.Lys2079Arg)

Gene: RYR1 (ryanodine receptor 1; plus strand). Cytogenetic location: 19q13.2.
Variant type: single nucleotide variant.
Coding change: c.6236A>G on transcript NM_000540.3 (MANE Select); coding-DNA position 6236, A replaced by G.
Protein change: p.Lys2079Arg; replaces lysine 2079 with arginine.
Molecular consequence: missense variant.
Genome position (GRCh38, 1-based): chr19:38,492,598, A>G. VCF-style: chr19-38492598-A-G. GRCh37 (hg19) VCF-style: chr19-38983238-A-G.
Other names: c.6236A>G, p.Lys2079Arg (NM_001042723.2); short protein forms K2079R.
Identifiers: ClinVar variation 3075122 (VCV003075122.3), dbSNP rs1449967674, ClinGen allele CA405662481.